The following is an entry in ClinVar:

NM_006859.4(LIAS):c.50T>C (p.Phe17Ser)

Gene: LIAS (lipoic acid synthetase; plus strand). Cytogenetic location: 4p14.
Variant type: single nucleotide variant.
Coding change: c.50T>C on transcript NM_006859.4 (MANE Select); coding-DNA position 50, T replaced by C.
Protein change: p.Phe17Ser; replaces phenylalanine 17 with serine.
Molecular consequence: missense variant.
Genome position (GRCh38, 1-based): chr4:39,460,794, T>C. VCF-style: chr4-39460794-T-C. GRCh37 (hg19) VCF-style: chr4-39462414-T-C.
Other names: c.50T>C, p.Phe17Ser (NM_001278590.2, NM_001278591.2, NM_001278592.2 and 2 more transcripts); short protein forms F17S.
Identifiers: ClinVar variation 1021868 (VCV001021868.8), dbSNP rs751814381, ClinGen allele CA2894565.

ClinVar aggregate classification (germline): Uncertain significance (1 of 4 stars; one submission).

Conditions:
Lipoic acid synthetase deficiency. Also called: HYPERGLYCINEMIA, LACTIC ACIDOSIS, AND SEIZURES. Identifiers: Orphanet 401859, MedGen C3280887, MONDO:0013762, OMIM 614462.

Allele frequency attached by ClinVar (database versions not stated): gnomAD exomes below 0.00001.

Submission:

Labcorp Genetics (formerly Invitae), Labcorp
Classification: Uncertain significance for Lipoic acid synthetase deficiency. Last evaluated: 2020-04-17. Review status: criteria provided, single submitter. Criteria: Invitae Variant Classification Sherloc (09022015). Collection method: clinical testing. Allele origin: germline.
Comment: This variant has not been reported in the literature in individuals with LIAS-related conditions. In summary, the available evidence is currently insufficient to determine the role of this variant in disease. Therefore, it has been classified as a Variant of Uncertain Significance. Algorithms developed to predict the effect of missense changes on protein structure and function (SIFT, PolyPhen-2, Align-GVGD) all suggest that this variant is likely to be tolerated, but these predictions have not been confirmed by published functional studies and their clinical significance is uncertain. This variant is present in population databases (rs751814381, ExAC 0.002%). This sequence change replaces phenylalanine with serine at codon 17 of the LIAS protein (p.Phe17Ser). The phenylalanine residue is weakly conserved and there is a large physicochemical difference between phenylalanine and serine.